The following is an entry in ClinVar:

NM_006947.4(SRP72):c.545C>T (p.Thr182Ile)

Gene: SRP72 (signal recognition particle 72; plus strand). Cytogenetic location: 4q12.
Variant type: single nucleotide variant.
Coding change: c.545C>T on transcript NM_006947.4 (MANE Select); coding-DNA position 545, C replaced by T.
Protein change: p.Thr182Ile; replaces threonine 182 with isoleucine.
Molecular consequence: missense variant. On other transcripts: non-coding transcript variant (1).
Genome position (GRCh38, 1-based): chr4:56,474,326, C>T. VCF-style: chr4-56474326-C-T. GRCh37 (hg19) VCF-style: chr4-57340492-C-T.
Other names: c.545C>T, p.Thr182Ile (NM_001267722.2); short protein forms T182I.
Identifiers: ClinVar variation 4589639 (VCV004589639.1).
Genomic context (GRCh38, chr4:56,474,326, plus strand): 5'-TTGTCCCCTGACAGGAGAACCTGGGCCTCCAAGAAGGCACACATGAGCTGTGCTACAACA[C>T]TGCATGTGCACTGATAGGCCAAGGCCAGCTGAACCAGGCCATGAAAATCCTACAAAAAGC-3'
Protein context (NP_008878.3, residues 172-192): QEGTHELCYN[Thr182Ile]ACALIGQGQL

ClinVar aggregate classification (germline): Uncertain significance (1 of 4 stars; one submission).

Submission:

Ambry Genetics
Classification: Uncertain significance. Last evaluated: 2025-12-02. Review status: criteria provided, single submitter. Criteria: Ambry Variant Classification Scheme 2023. Collection method: clinical testing. Allele origin: germline.
Comment: The p.T182I variant (also known as c.545C>T), located in coding exon 5 of the SRP72 gene, results from a C to T substitution at nucleotide position 545. The threonine at codon 182 is replaced by isoleucine, an amino acid with similar properties. This amino acid position is conserved. In addition, the in silico prediction for this alteration is inconclusive. Based on the available evidence, the clinical significance of this variant remains unclear.